The following is an entry in ClinVar:

NM_000426.4(LAMA2):c.5146G>A (p.Gly1716Arg)

Gene: LAMA2 (laminin subunit alpha 2; plus strand). Cytogenetic location: 6q22.33.
Variant type: single nucleotide variant.
Coding change: c.5146G>A on transcript NM_000426.4 (MANE Select); coding-DNA position 5146, G replaced by A.
Protein change: p.Gly1716Arg; replaces glycine 1716 with arginine.
Molecular consequence: missense variant.
Genome position (GRCh38, 1-based): chr6:129,391,565, G>A. VCF-style: chr6-129391565-G-A. GRCh37 (hg19) VCF-style: chr6-129712710-G-A.
Other names: c.5146G>A, p.Gly1716Arg (NM_001079823.2); short protein forms G1716R.
Identifiers: ClinVar variation 2144022 (VCV002144022.2), dbSNP rs890202320, ClinGen allele CA146884741.
Genomic context (GRCh38, chr6:129,391,565, plus strand): 5'-GCTATAAAACTAAATGAAACTCTAGGAACTCGAGACGAGGCCTTTGAGAGAAATTTGGAA[G>A]GGCTTCAGAAAGAGATTGACCAGATGATTAAAGAACTGAGGAGGAAAAATCTAGAGACAC-3'
Protein context (NP_000417.3, residues 1706-1726): RDEAFERNLE[Gly1716Arg]LQKEIDQMIK

ClinVar aggregate classification (germline): Uncertain significance. Review status: criteria provided, multiple submitters, no conflicts (2 of 4 stars). 2 submissions from 2 submitters: Uncertain significance (2). Last evaluated 2025-07-15.

Conditions:
Inborn genetic diseases. Identifiers: MedGen C0950123, MeSH D030342.
LAMA2-related muscular dystrophy (LAMA2-RD). Also called: Laminin alpha 2-related dystrophy. Identifiers: MedGen C5679788, MONDO:0100228.

Allele frequency attached by ClinVar (database versions not stated): TOPMed 0.00001; gnomAD 0.00002.
gnomAD v4.1: 3 of 1,613,594 alleles (0.00019%); highest among the groups gnomAD compares: African/African-American, 0.004%; no homozygotes.

Submissions (2):

Ambry Genetics
Classification: Uncertain significance for Inborn genetic diseases. Last evaluated: 2025-07-15. Review status: criteria provided, single submitter. Criteria: Ambry Variant Classification Scheme 2023. Collection method: clinical testing. Allele origin: germline.

Labcorp Genetics (formerly Invitae), Labcorp
Classification: Uncertain significance for LAMA2-related muscular dystrophy. Last evaluated: 2022-07-10. Review status: criteria provided, single submitter. Criteria: Invitae Variant Classification Sherloc (09022015). Collection method: clinical testing. Allele origin: germline.
Comment: This sequence change replaces glycine, which is neutral and non-polar, with arginine, which is basic and polar, at codon 1716 of the LAMA2 protein (p.Gly1716Arg). This variant is present in population databases (no rsID available, gnomAD 0.01%). This variant has not been reported in the literature in individuals affected with LAMA2-related conditions. Advanced modeling of protein sequence and biophysical properties (such as structural, functional, and spatial information, amino acid conservation, physicochemical variation, residue mobility, and thermodynamic stability) performed at Invitae indicates that this missense variant is not expected to disrupt LAMA2 protein function. In summary, the available evidence is currently insufficient to determine the role of this variant in disease. Therefore, it has been classified as a Variant of Uncertain Significance.